The following is an entry in ClinVar:

NM_000435.3(NOTCH3):c.815C>T (p.Thr272Met)

Gene: NOTCH3 (notch receptor 3; minus strand). Cytogenetic location: 19p13.12.
Variant type: single nucleotide variant.
Coding change: c.815C>T on transcript NM_000435.3 (MANE Select); coding-DNA position 815, C replaced by T.
Protein change: p.Thr272Met; replaces threonine 272 with methionine.
Molecular consequence: missense variant.
Genome position (GRCh38, 1-based): chr19:15,191,645, G>A on the plus strand (C>T on the coding strand, the complement: NOTCH3 is on the minus strand). VCF-style: chr19-15191645-G-A. GRCh37 (hg19) VCF-style: chr19-15302456-G-A.
Other names: short protein forms T272M.
Identifiers: ClinVar variation 995058 (VCV000995058.12), dbSNP rs749561286, ClinGen allele CA9263774.

ClinVar aggregate classification (germline): Conflicting classifications of pathogenicity. Review status: criteria provided, conflicting classifications (1 of 4 stars). 5 submissions from 5 submitters: Uncertain significance (2); Benign (2). 1 of the submissions does not count toward it. Last evaluated 2025-11-20.

Conditions:
NOTCH3-related disorder. Also called: NOTCH3-related disorders; NOTCH3-related condition.
Inborn genetic diseases. Identifiers: MedGen C0950123, MeSH D030342.

Allele frequency attached by ClinVar (database versions not stated): gnomAD 0.00002 and 0.00003; gnomAD exomes 0.00006 and 0.00018; TOPMed 0.00008; ExAC 0.00012.
gnomAD v4.1: 90 of 1,613,410 alleles (0.0056%); highest among the groups gnomAD compares: Admixed American, 0.07%; 1 homozygote.

Submissions (5):

Labcorp Genetics (formerly Invitae), Labcorp
Classification: Benign. Last evaluated: 2025-11-20. Review status: criteria provided, single submitter. Criteria: Invitae Variant Classification Sherloc (09022015). Collection method: clinical testing. Allele origin: germline.

Athena Diagnostics
Classification: Benign. Last evaluated: 2024-09-25. Review status: criteria provided, single submitter. Criteria: Athena Diagnostics Criteria. Collection method: clinical testing. Allele origin: unknown.

GeneDx
Classification: Uncertain significance. Last evaluated: 2024-05-08. Review status: criteria provided, single submitter. Criteria: GeneDx Variant Classification Process June 2021. Collection method: clinical testing. Allele origin: germline. Affected: yes.
Comment: In silico analysis supports that this missense variant has a deleterious effect on protein structure/function; Has not been previously published as pathogenic or benign to our knowledge; This variant is associated with the following publications: (PMID: 34589931)

Ambry Genetics
Classification: Uncertain significance for Inborn genetic diseases. Last evaluated: 2021-09-16. Review status: criteria provided, single submitter. Criteria: Ambry Variant Classification Scheme 2023. Collection method: clinical testing. Allele origin: germline.

PreventionGenetics, part of Exact Sciences
Classification: Likely benign for NOTCH3-related condition. Last evaluated: 2024-09-11. Review status: no assertion criteria provided. Collection method: clinical testing. Allele origin: germline. Not counted in ClinVar's aggregate classification.
Comment: This variant is classified as likely benign based on ACMG/AMP sequence variant interpretation guidelines (Richards et al. 2015 PMID: 25741868, with internal and published modifications).